The following is an entry in ClinVar:

NM_001267550.2(TTN):c.22463A>T (p.Gln7488Leu)

Gene: TTN (titin; minus strand). Cytogenetic location: 2q31.2.
Variant type: single nucleotide variant.
Coding change: c.22463A>T on transcript NM_001267550.2 (MANE Select); coding-DNA position 22463, A replaced by T.
Protein change: p.Gln7488Leu; replaces glutamine 7488 with leucine.
Molecular consequence: missense variant. On other transcripts: intron variant (3).
Genome position (GRCh38, 1-based): chr2:178,722,324, T>A on the plus strand (A>T on the coding strand, the complement: TTN is on the minus strand). VCF-style: chr2-178722324-T-A. GRCh37 (hg19) VCF-style: chr2-179587051-T-A.
Other names: c.21512A>T, p.Gln7171Leu (NM_001256850.1); c.18731A>T, p.Gln6244Leu (NM_133378.4); c.13282+15758A>T (NM_003319.4); c.13858+15758A>T (NM_133437.4); c.13657+15758A>T (NM_133432.3); short protein forms Q6244L, Q7171L, Q7488L.
Identifiers: ClinVar variation 3392803 (VCV003392803.1).

ClinVar aggregate classification (germline): Uncertain significance (1 of 4 stars; one submission).

gnomAD v4.1: 9 of 1,612,904 alleles (0.00056%); no homozygotes.

Submission:

GeneDx
Classification: Uncertain significance. Last evaluated: 2024-06-24. Review status: criteria provided, single submitter. Criteria: GeneDx Variant Classification Process June 2021. Collection method: clinical testing. Allele origin: germline. Affected: yes.
Comment: Not observed at significant frequency in large population cohorts (gnomAD); Missense variant in a gene in which most reported pathogenic variants are truncating/loss of function; Has not been previously published as pathogenic or benign to our knowledge